The following is an entry in ClinVar:

GRCh38/hg38 15q11.2(chr15:25337273-25381835)x1

Genes: SNHG14 (small nucleolar RNA host gene 14; plus strand), UBE3A (ubiquitin protein ligase E3A; minus strand). Cytogenetic location: 15q11.2.
Variant type: copy number loss.
Change: copy number 1 (one copy instead of two) of chr15:25,337,273-25,381,835 (44.6 kb, GRCh38 coordinates, 1-based), cytogenetic band 15q11.2.
Identifiers: ClinVar variation 57213 (VCV000057213.1).

ClinVar aggregate classification (germline): Pathogenic (1 of 4 stars; one submission).

Submission:

ISCA site 4
Classification: Pathogenic. Last evaluated: 2011-08-12. Review status: criteria provided, single submitter. Criteria: Kaminsky et al. (Genet Med. 2011). Collection method: clinical testing. Allele origin: maternal. Affected: yes. Observed: 1 variant allele.
Comment: Copy number variation identified through the course of routine clinical cytogenomic testing in postnatal populations. Clinical assertions have been curated as described in Kaminsky et al. 2011.